The following is an entry in ClinVar:

ClinVar aggregate classification (germline): Pathogenic. Review status: criteria provided, multiple submitters, no conflicts (2 of 4 stars). 2 submissions from 2 submitters: Pathogenic (2). Last evaluated 2020-12-25.

Conditions:
Hereditary hemorrhagic telangiectasia (HHT). Also called: ORW DISEASE; Osler Weber Rendu syndrome; OSLER-RENDU-WEBER DISEASE; Osler hemorrhagic telangiectasia syndrome. Identifiers: Orphanet 774, MedGen C0039445, MONDO:0019180. Disease mechanism: loss of function.

Submissions (2):

Labcorp Genetics (formerly Invitae), Labcorp
Classification: Pathogenic for Hereditary hemorrhagic telangiectasia. Last evaluated: 2020-12-25. Review status: criteria provided, single submitter. Criteria: Invitae Variant Classification Sherloc (09022015). Collection method: clinical testing. Allele origin: germline.
Comment: For these reasons, this variant has been classified as Pathogenic. Algorithms developed to predict the effect of sequence changes on RNA splicing suggest that this variant may create or strengthen a splice site, but this prediction has not been confirmed by published transcriptional studies. This variant has been observed in individual(s) with hereditary hemorrhagic telangiectasia (PMID: 21158752, Invitae). ClinVar contains an entry for this variant (Variation ID: 407132). This variant is not present in population databases (ExAC no frequency). This sequence change creates a premature translational stop signal (p.Glu302*) in the ENG gene. It is expected to result in an absent or disrupted protein product. Loss-of-function variants in ENG are known to be pathogenic (PMID: 15879500).

ARUP Laboratories, Molecular Genetics and Genomics, ARUP Laboratories
Classification: Pathogenic. Last evaluated: 2017-11-10. Review status: criteria provided, single submitter. Criteria: ARUP Molecular Germline Variant Investigation Process. Collection method: clinical testing. Allele origin: germline.
Comment: The ENG c.904G>T; p.Glu302Ter variant (rs1060501419) has been described in an individual with symptoms of HHT (McDonald 2011), is reported as pathogenic in ClinVar (Variation ID: 407132), and is absent from general population databases (Exome Variant Server, Genome Aggregation Database). This variant induces an early termination codon and is predicted to result in a truncated protein or mRNA that is subject to nonsense mediated decay. Taken together, this variant is considered pathogenic. REFERENCES McDonald J et al. Molecular diagnosis in hereditary hemorrhagic telangiectasia: findings in a series tested simultaneously by sequencing and deletion/duplication analysis. Clin Genet. 2011 Apr;79(4):335-44.

Literature cited by the submitters: PubMed 21158752 (cited by Labcorp Genetics (formerly Invitae), Labcorp); PubMed 15879500 (cited by Labcorp Genetics (formerly Invitae), Labcorp).

NM_001114753.3(ENG):c.904G>T (p.Glu302Ter)

Gene: ENG (endoglin; minus strand). Cytogenetic location: 9q34.11.
Variant type: single nucleotide variant.
Coding change: c.904G>T on transcript NM_001114753.3 (MANE Select); coding-DNA position 904, G replaced by T.
Protein change: p.Glu302Ter; replaces glutamic acid 302 with a stop codon.
Molecular consequence: nonsense.
Genome position (GRCh38, 1-based): chr9:127,824,887, C>A on the plus strand (G>T on the coding strand, the complement: ENG is on the minus strand). VCF-style: chr9-127824887-C-A. GRCh37 (hg19) VCF-style: chr9-130587166-C-A.
Other names: c.904G>T, p.Glu302Ter (NM_000118.4, NM_001406715.1); c.358G>T, p.Glu120Ter (NM_001278138.2); short protein forms E302*, E120*.
Identifiers: ClinVar variation 407132 (VCV000407132.16), dbSNP rs1060501419, ClinGen allele CA16612407.